The following is an entry in ClinVar:

ClinVar aggregate classification (germline): Pathogenic. Review status: criteria provided, multiple submitters, no conflicts (2 of 4 stars). 3 submissions from 3 submitters: Pathogenic (2). 1 of the submissions does not count toward it. Last evaluated 2026-01-08.

Conditions:
Cardiovascular phenotype. Identifiers: MedGen CN230736.
Hereditary cancer-predisposing syndrome. Also called: Neoplastic Syndromes, Hereditary; Hereditary Cancer Syndrome; Hereditary neoplastic syndrome; Tumor predisposition. Identifiers: Orphanet 140162, MedGen C0027672, MeSH D009386, MONDO:0015356.
Neurofibromatosis, type 1 (NF1). Also called: VON RECKLINGHAUSEN DISEASE; Neurofibromatosis, type I; NEUROFIBROMATOSIS, TYPE I, SOMATIC; Peripheral type neurofibromatosis. Identifiers: Orphanet 636, MedGen C0027831, MONDO:0018975, OMIM 162200. Disease mechanism: loss of function.

Submissions (3):

Myriad Genetics, Inc.
Classification: Pathogenic for Neurofibromatosis, type 1. Last evaluated: 2026-01-08. Review status: criteria provided, single submitter. Criteria: Myriad Autosomal Dominant, Autosomal Recessive and X-Linked Classification Criteria (2023). Collection method: clinical testing. Allele origin: unknown.
Comment: This variant is considered pathogenic. This variant creates a frameshift predicted to result in premature protein truncation.

Ambry Genetics
Classification: Pathogenic for Cardiovascular phenotype; Hereditary cancer-predisposing syndrome. Last evaluated: 2017-04-18. Review status: criteria provided, single submitter. Criteria: Ambry Variant Classification Scheme 2023. Collection method: clinical testing. Allele origin: germline.
Comment: The c.6425delT pathogenic mutation, located in coding exon 42 of the NF1 gene, results from a deletion of one nucleotide at nucleotide position 6425, causing a translational frameshift with a predicted alternate stop codon (p.L2142Cfs*37). This alteration is expected to result in loss of function by premature protein truncation or nonsense-mediated mRNA decay. As such, this alteration is interpreted as a disease-causing mutation.

Laboratory of Medical Genetics, National & Kapodistrian University of Athens
Classification: Pathogenic for Neurofibromatosis, type 1. Last evaluated: 2020-01-01. Review status: no assertion criteria provided. Collection method: clinical testing. Allele origin: germline. Affected: yes. Not counted in ClinVar's aggregate classification.

NM_001042492.3(NF1):c.6488del (p.Leu2163fs)

Gene: NF1 (neurofibromin 1; plus strand). Cytogenetic location: 17q11.2.
Variant type: Deletion.
Coding change: c.6488del on transcript NM_001042492.3 (MANE Select); coding-DNA position 6488, one base deleted (T; older notation c.6488delT).
Protein change: p.Leu2163fs; shifts the reading frame from leucine 2163.
Molecular consequence: frameshift variant.
Genome position (GRCh38, 1-based): chr17:31,337,428, T deleted; the last of 2 consecutive T bases (chr17:31,337,427-31,337,428); deleting either gives the same sequence. VCF-style (leftmost placement, unchanged base first): chr17-31337426-CT-C. GRCh37 (hg19) VCF-style: chr17-29664444-CT-C.
Other names: c.6488delT (NM_001042492.3); c.6425delT (NM_000267.3); c.6425delT, p.Leu2142Cysfs (NM_000267.4); short protein forms L2142fs, L2163fs.
Identifiers: ClinVar variation 1048676 (VCV001048676.4), dbSNP rs2151556143, ClinGen allele CA2499224191.
Genomic context (GRCh38, chr17:31,337,426, plus strand): 5'-AGAAGAGACCAAGCAAGTTTTGAGACTCAGTCTGACAGAGTTCTCATTACCCAAATTTTA[CT>C]TGCTGTTTGGCATTAGCAAAGTCAAGTCAGCTGCTGTCATTGCCTTCCGTTCCAGTTACC-3'